The following is an entry in ClinVar:

NM_006258.4(PRKG1):c.1877A>T (p.Lys626Ile)

Gene: PRKG1 (protein kinase cGMP-dependent 1; plus strand). Cytogenetic location: 10q21.1.
Variant type: single nucleotide variant.
Coding change: c.1877A>T on transcript NM_006258.4 (MANE Select); coding-DNA position 1877, A replaced by T.
Protein change: p.Lys626Ile; replaces lysine 626 with isoleucine.
Molecular consequence: missense variant.
Genome position (GRCh38, 1-based): chr10:52,288,975, A>T. VCF-style: chr10-52288975-A-T. GRCh37 (hg19) VCF-style: chr10-54048735-A-T.
Other names: c.1832A>T, p.Lys611Ile (NM_001098512.3); c.668A>T, p.Lys223Ile (NM_001374781.1); short protein forms K611I, K223I, K626I.
Identifiers: ClinVar variation 3656779 (VCV003656779.2).

ClinVar aggregate classification (germline): Uncertain significance (1 of 4 stars; one submission).

Conditions:
Aortic aneurysm, familial thoracic 8 (AAT8). Identifiers: MedGen C3809513, MONDO:0014187, OMIM 615436.

Submission:

Labcorp Genetics (formerly Invitae), Labcorp
Classification: Uncertain significance for Aortic aneurysm, familial thoracic 8. Last evaluated: 2024-06-16. Review status: criteria provided, single submitter. Criteria: Invitae Variant Classification Sherloc (09022015). Collection method: clinical testing. Allele origin: germline.
Comment: This sequence change replaces lysine, which is basic and polar, with isoleucine, which is neutral and non-polar, at codon 626 of the PRKG1 protein (p.Lys626Ile). This variant is not present in population databases (gnomAD no frequency). This variant has not been reported in the literature in individuals affected with PRKG1-related conditions. An algorithm developed to predict the effect of missense changes on protein structure and function (PolyPhen-2) suggests that this variant is likely to be tolerated. In summary, the available evidence is currently insufficient to determine the role of this variant in disease. Therefore, it has been classified as a Variant of Uncertain Significance.